The following is an entry in ClinVar:

NM_021922.3(FANCE):c.1248_1251del (p.Thr417fs)

Gene: FANCE (FA complementation group E; plus strand). Cytogenetic location: 6p21.31.
Variant type: Deletion.
Coding change: c.1248_1251del on transcript NM_021922.3 (MANE Select); coding-DNA positions 1248 to 1251, 4 bases deleted (AACA; older notation c.1248_1251delAACA).
Protein change: p.Thr417fs; shifts the reading frame from threonine 417.
Molecular consequence: frameshift variant.
Genome position (GRCh38, 1-based): chr6:35,459,692-35,459,695, AACA deleted; deleting any 4 consecutive bases within chr6:35,459,690-35,459,695 gives the same sequence; the c. name uses the placement nearest the transcript's 3' end. VCF-style (leftmost placement, unchanged base first): chr6-35459689-TCAAA-T. GRCh37 (hg19) VCF-style: chr6-35427466-TCAAA-T.
Other names: c.1248_1251del, p.Thr417fs (NM_001410876.1); short protein forms T417fs.
Identifiers: ClinVar variation 2811601 (VCV002811601.3), dbSNP rs746340447, ClinGen allele CA3771654.
Genomic context (GRCh38, chr6:35,459,689, plus strand): 5'-GCTGTCTTCTGCCATTTCCCCCCAGACTTCCCCTTCTGCTGTCCTCTACCCAGGTCCTGC[TCAAA>T]CAGAGTTACTGTGTTGCCTTGTGAAGATGGAGTCCCTGGAGCCAGATGCACAGGTTCTAA-3'

ClinVar aggregate classification (germline): Pathogenic (1 of 4 stars; one submission).

Conditions:
Fanconi anemia complementation group E (FANCE). Also called: FANCE-Related Fanconi Anemia. Identifiers: Orphanet 84, MedGen C3160739, MONDO:0010953, OMIM 600901.

Submission:

Labcorp Genetics (formerly Invitae), Labcorp
Classification: Pathogenic for Fanconi anemia complementation group E. Last evaluated: 2023-10-22. Review status: criteria provided, single submitter. Criteria: Invitae Variant Classification Sherloc (09022015). Collection method: clinical testing. Allele origin: germline.
Comment: This sequence change creates a premature translational stop signal (p.Thr417Serfs*7) in the FANCE gene. It is expected to result in an absent or disrupted protein product. Loss-of-function variants in FANCE are known to be pathogenic (PMID: 11001585, 17924555). This variant is present in population databases (rs746340447, gnomAD 0.002%). This premature translational stop signal has been observed in individual(s) with FANCE-related conditions (PMID: 29625052). This variant is also known as B:6:35427467:CAAA:-:hg19. For these reasons, this variant has been classified as Pathogenic.

Literature cited by the submitters: PubMed 11001585; PubMed 17924555; PubMed 29625052.